The following is an entry in ClinVar:

ClinVar aggregate classification (germline): Likely pathogenic (1 of 4 stars; one submission).

Conditions:
Retinitis pigmentosa 56 (RP56). Identifiers: Orphanet 791, MedGen C3150819, MONDO:0013314, OMIM 613581.

Submission:

3billion
Classification: Likely pathogenic for Retinitis pigmentosa 56. Last evaluated: 2024-01-11. Review status: criteria provided, single submitter. Criteria: ACMG Guidelines, 2015. Collection method: clinical testing. Allele origin: germline. Affected: yes.
Comment: The variant is not observed in the gnomAD v2.1.1 dataset. Predicted Consequence/Location: Frameshift: predicted to result in a loss or disruption of normal protein function through nonsense-mediated decay (NMD) or protein truncation. Multiple pathogenic variants are reported downstream of the variant. Therefore, this variant is classified as Likely pathogenic according to the recommendation of ACMG/AMP guideline.

NM_016247.4(IMPG2):c.2317_2318del (p.Leu773fs)

Gene: IMPG2 (interphotoreceptor matrix proteoglycan 2; minus strand). Cytogenetic location: 3q12.3.
Variant type: Deletion.
Coding change: c.2317_2318del on transcript NM_016247.4 (MANE Select); coding-DNA positions 2317 to 2318, 2 bases deleted (TT; older notation c.2317_2318delTT).
Protein change: p.Leu773fs; shifts the reading frame from leucine 773.
Molecular consequence: frameshift variant.
Genome position (GRCh38, 1-based): chr3:101,244,013-101,244,014, AA deleted on the plus strand (TT on the coding strand, the reverse complement: IMPG2 is on the minus strand); deleting any 2 consecutive bases within chr3:101,244,013-101,244,015 gives the same sequence; the c. name uses the placement nearest the transcript's 3' end. VCF-style (leftmost placement, unchanged base first): chr3-101244012-CAA-C. GRCh37 (hg19) VCF-style: chr3-100962856-CAA-C.
Other names: short protein forms L773fs.
Identifiers: ClinVar variation 3775729 (VCV003775729.1).